The following is an entry in ClinVar:

NM_004364.5(CEBPA):c.595G>A (p.Ala199Thr)

Gene: CEBPA (CCAAT enhancer binding protein alpha; minus strand). Cytogenetic location: 19q13.11.
Variant type: single nucleotide variant.
Coding change: c.595G>A on transcript NM_004364.5 (MANE Select); coding-DNA position 595, G replaced by A.
Protein change: p.Ala199Thr; replaces alanine 199 with threonine.
Molecular consequence: missense variant.
Genome position (GRCh38, 1-based): chr19:33,301,820, C>T on the plus strand (G>A on the coding strand, the complement: CEBPA is on the minus strand). VCF-style: chr19-33301820-C-T. GRCh37 (hg19) VCF-style: chr19-33792726-C-T.
Other names: c.238G>A, p.Ala80Thr (NM_001285829.2); c.700G>A, p.Ala234Thr (NM_001287424.2); c.553G>A, p.Ala185Thr (NM_001287435.2); c.595G>A (NM_004364.3); short protein forms A234T, A80T, A185T, A199T.
Identifiers: ClinVar variation 835774 (VCV000835774.11), dbSNP rs1308416905, ClinGen allele CA405274618.

ClinVar aggregate classification (germline): Uncertain significance. Review status: criteria provided, multiple submitters, no conflicts (2 of 4 stars). 2 submissions from 2 submitters: Uncertain significance (2). Last evaluated 2024-11-28.

Conditions:
Inborn genetic diseases. Identifiers: MedGen C0950123, MeSH D030342.
Acute myeloid leukemia (AML). Also called: Acute myeloid leukemia, adult; AML adult; Acute non-lymphocytic leukemia; Acute granulocytic leukemia; Leukemia, acute myeloid, somatic; Leukemia, acute myelogenous, somatic. Identifiers: Orphanet 519, MedGen C0023467, MeSH D015470, MONDO:0018874, OMIM 601626, HP:0004808. Disease mechanism: Constitutively activated FLT3.

Submissions (2):

Ambry Genetics
Classification: Uncertain significance for Inborn genetic diseases. Last evaluated: 2024-11-28. Review status: criteria provided, single submitter. Criteria: Ambry Variant Classification Scheme 2023. Collection method: clinical testing. Allele origin: germline.
Comment: The p.A199T variant (also known as c.595G>A), located in coding exon 1 of the CEBPA gene, results from a G to A substitution at nucleotide position 595. The alanine at codon 199 is replaced by threonine, an amino acid with similar properties. This amino acid position is conserved. In addition, this alteration is predicted to be tolerated by in silico analysis. Based on the available evidence, the clinical significance of this variant remains unclear.

Labcorp Genetics (formerly Invitae), Labcorp
Classification: Uncertain significance for Acute myeloid leukemia. Last evaluated: 2019-12-20. Review status: criteria provided, single submitter. Criteria: Invitae Variant Classification Sherloc (09022015). Collection method: clinical testing. Allele origin: germline.
Comment: In summary, the available evidence is currently insufficient to determine the role of this variant in disease. Therefore, it has been classified as a Variant of Uncertain Significance. Algorithms developed to predict the effect of missense changes on protein structure and function (SIFT, PolyPhen-2, Align-GVGD) all suggest that this variant is likely to be tolerated, but these predictions have not been confirmed by published functional studies and their clinical significance is uncertain. This variant has not been reported in the literature in individuals with CEBPA-related conditions. The frequency data for this variant in the population databases is considered unreliable, as metrics indicate insufficient coverage at this position in the ExAC database. This sequence change replaces alanine with threonine at codon 199 of the CEBPA protein (p.Ala199Thr). The alanine residue is weakly conserved and there is a small physicochemical difference between alanine and threonine.